The following is an entry in ClinVar:

NM_172364.5(CACNA2D4):c.2691del (p.Phe898fs)

Gene: CACNA2D4 (calcium voltage-gated channel auxiliary subunit alpha2delta 4; minus strand). Cytogenetic location: 12p13.33.
Variant type: Deletion.
Coding change: c.2691del on transcript NM_172364.5 (MANE Select); coding-DNA position 2691, one base deleted (G; older notation c.2691delG).
Protein change: p.Phe898fs; shifts the reading frame from phenylalanine 898.
Molecular consequence: frameshift variant.
Genome position (GRCh38, 1-based): chr12:1,810,308, C deleted on the plus strand (G on the coding strand, the reverse complement: CACNA2D4 is on the minus strand); the first of 3 consecutive C bases (chr12:1,810,308-1,810,310); deleting any one gives the same sequence. VCF-style (leftmost placement, unchanged base first): chr12-1810307-AC-A. GRCh37 (hg19) VCF-style: chr12-1919473-AC-A.
Other names: short protein forms F898fs.
Identifiers: ClinVar variation 3642277 (VCV003642277.2).
Genomic context (GRCh38, chr12:1,810,307, plus strand): 5'-TCCCCCTCATTCTATATCCCCAGTGACTCACCTCTCGGGACCTCTTGGAGATCAGAATGA[AC>A]CCGTTGTTGTCGATGACGAAGCAGTCCAGATCCTGGGAGGAAACCCAGAAGGGAGGTTAT-3'

ClinVar aggregate classification (germline): Uncertain significance (1 of 4 stars; one submission).

Submission:

Labcorp Genetics (formerly Invitae), Labcorp
Classification: Uncertain significance. Last evaluated: 2024-02-20. Review status: criteria provided, single submitter. Criteria: Invitae Variant Classification Sherloc (09022015). Collection method: clinical testing. Allele origin: germline.
Comment: This sequence change creates a premature translational stop signal (p.Phe898Serfs*3) in the CACNA2D4 gene. It is expected to result in an absent or disrupted protein product. However, the current clinical and genetic evidence is not sufficient to establish whether loss-of-function variants in CACNA2D4 cause disease. This variant is not present in population databases (gnomAD no frequency). This variant has not been reported in the literature in individuals affected with CACNA2D4-related conditions. In summary, the available evidence is currently insufficient to determine the role of this variant in disease. Therefore, it has been classified as a Variant of Uncertain Significance.